The following is an entry in ClinVar:

NM_001701.4(BAAT):c.1134C>T (p.His378=)

Gene: BAAT (bile acid-CoA:amino acid N-acyltransferase; minus strand). Cytogenetic location: 9q31.1.
Variant type: single nucleotide variant.
Coding change: c.1134C>T on transcript NM_001701.4 (MANE Select); coding-DNA position 1134, C replaced by T.
Protein change: p.His378=; no amino-acid change (histidine 378 retained).
Molecular consequence: synonymous variant.
Genome position (GRCh38, 1-based): chr9:101,362,551, G>A on the plus strand (C>T on the coding strand, the complement: BAAT is on the minus strand). VCF-style: chr9-101362551-G-A. GRCh37 (hg19) VCF-style: chr9-104124833-G-A.
Other names: c.1134C>T, p.His378= (NM_001127610.2, NM_001374715.1).
Identifiers: ClinVar variation 913863 (VCV000913863.9), dbSNP rs118089324, ClinGen allele CA5160558.
Genomic context (GRCh38, chr9:101,362,551, plus strand): 5'-AGCATGTTCCTGTGCAGCTGCGTGTGGGATCACCTCTCCTCCCCAGTGTAACCTCAAATC[G>A]TGGGTCGTTGAGGCACAGCACAGAGGAGAATAGGGAGGTTCTATCAGGTGGCCTGCCCCA-3'
Protein context (NP_001692.1, residues 368-388): YSPLCCASTT[His378=]DLRLHWGGEV

ClinVar aggregate classification (germline): Benign/Likely benign. Review status: criteria provided, multiple submitters, no conflicts (2 of 4 stars). 3 submissions from 3 submitters: Benign (2); Likely benign (1). Last evaluated 2026-01-12.

Conditions:
Hypercholanemia, familial 1 (FHCA1). Identifiers: Orphanet 238475, MedGen C5542604, MONDO:0031446, OMIM 607748.

Allele frequency attached by ClinVar (database versions not stated): ESP Exome Variant Server 0.00046; gnomAD 0.00047 and 0.00080; TOPMed 0.00072; gnomAD exomes 0.00092 and 0.00110; ExAC 0.00119; 1000 Genomes Project 30x 0.00265; 1000 Genomes Project 0.00319.

Submissions (3):

Labcorp Genetics (formerly Invitae), Labcorp
Classification: Benign. Last evaluated: 2026-01-12. Review status: criteria provided, single submitter. Criteria: Invitae Variant Classification Sherloc (09022015). Collection method: clinical testing. Allele origin: germline.

Blueprint Genetics
Classification: Likely benign. Last evaluated: 2024-11-14. Review status: criteria provided, single submitter. Criteria: ACMG Guidelines, 2015. Collection method: clinical testing. Allele origin: germline.

Illumina Laboratory Services, Illumina
Classification: Benign for Hypercholanemia, familial 1. Last evaluated: 2017-04-27. Review status: criteria provided, single submitter. Criteria: ICSL Variant Classification Criteria 13 December 2019. Collection method: clinical testing. Allele origin: germline.
Comment: This variant was observed as part of a predisposition screen in an ostensibly healthy population. A literature search was performed for the gene, cDNA change, and amino acid change (where applicable). Publications were found based on this search. The evidence from the literature, in combination with allele frequency data from public databases where available, was sufficient to rule this variant out of causing disease. Therefore, this variant is classified as benign.

Literature cited by the submitters: PubMed 17495420 (cited by Illumina Laboratory Services, Illumina).